The following is an entry in ClinVar:

ClinVar aggregate classification (germline): Uncertain significance. Review status: criteria provided, multiple submitters, no conflicts (2 of 4 stars). 2 submissions from 2 submitters: Uncertain significance (2). Last evaluated 2023-01-11.

Conditions:
Charcot-Marie-Tooth disease type 2. Also called: Charcot-Marie-Tooth type 2. Identifiers: Orphanet 64746, MedGen C0270914, MONDO:0018993.

Allele frequency attached by ClinVar (database versions not stated): gnomAD exomes below 0.00001.
gnomAD v4.1: 2 of 1,599,614 alleles (0.00013%); highest among the groups gnomAD compares: Non-Finnish European, 0.00017%; no homozygotes.

Submissions (2):

GeneDx
Classification: Uncertain significance. Last evaluated: 2023-01-11. Review status: criteria provided, single submitter. Criteria: GeneDx Variant Classification Process June 2021. Collection method: clinical testing. Allele origin: germline. Affected: yes.
Comment: Not observed at significant frequency in large population cohorts (gnomAD); In silico analysis supports that this missense variant has a deleterious effect on protein structure/function; Has not been previously published as pathogenic or benign to our knowledge; This variant is associated with the following publications: (PMID: 26503042, 26138142, 25168514)

Labcorp Genetics (formerly Invitae), Labcorp
Classification: Uncertain significance for Charcot-Marie-Tooth disease type 2. Last evaluated: 2018-09-14. Review status: criteria provided, single submitter. Criteria: Invitae Variant Classification Sherloc (09022015). Collection method: clinical testing. Allele origin: germline.
Comment: This variant is not present in population databases (ExAC no frequency). In summary, the available evidence is currently insufficient to determine the role of this variant in disease. Therefore, it has been classified as a Variant of Uncertain Significance. Nucleotide substitutions within the consensus splice site are a relatively common cause of aberrant splicing (PMID: 17576681, 9536098). Algorithms developed to predict the effect of sequence changes on RNA splicing suggest that this variant may disrupt the consensus splice site, but this prediction has not been confirmed by published transcriptional studies. Algorithms developed to predict the effect of missense changes on protein structure and function (SIFT, PolyPhen-2, Align-GVGD) all suggest that this variant is likely to be disruptive, but these predictions have not been confirmed by published functional studies and their clinical significance is uncertain. This variant has not been reported in the literature in individuals with GARS-related disease. This sequence change replaces glycine with serine at codon 143 of the GARS protein (p.Gly143Ser). The glycine residue is highly conserved and there is a small physicochemical difference between glycine and serine. This variant also falls at the last nucleotide of exon 3 of the GARS coding sequence, which is part of the consensus splice site for this exon.

Literature cited by the submitters: PubMed 17576681 (cited by Labcorp Genetics (formerly Invitae), Labcorp); PubMed 9536098 (cited by Labcorp Genetics (formerly Invitae), Labcorp).

NM_002047.4(GARS1):c.427G>A (p.Gly143Ser)

Gene: GARS1 (glycyl-tRNA synthetase 1; plus strand). Cytogenetic location: 7p14.3.
Variant type: single nucleotide variant.
Coding change: c.427G>A on transcript NM_002047.4 (MANE Select); coding-DNA position 427, G replaced by A.
Protein change: p.Gly143Ser; replaces glycine 143 with serine.
Molecular consequence: missense variant.
Genome position (GRCh38, 1-based): chr7:30,600,049, G>A. VCF-style: chr7-30600049-G-A. GRCh37 (hg19) VCF-style: chr7-30639665-G-A.
Other names: c.427G>A (LRG_243t1); c.265G>A, p.Gly89Ser (NM_001316772.1); short protein forms G143S, G89S.
Identifiers: ClinVar variation 654436 (VCV000654436.9), dbSNP rs1584022929, ClinGen allele CA367139301.